The following is an entry in ClinVar:

ClinVar aggregate classification (germline): Likely pathogenic. Review status: criteria provided, single submitter (1 of 4 stars). 2 submissions from 2 submitters: Likely pathogenic (1). 1 of the submissions does not count toward it. Last evaluated 2024-01-01.

Conditions:
Menke-Hennekam syndrome 2 (MKHK2). Identifiers: MedGen C5193035, MONDO:0020769, OMIM 618333.

Submissions (2):

CeGaT Center for Human Genetics Tuebingen
Classification: Likely pathogenic. Last evaluated: 2024-01-01. Review status: criteria provided, single submitter. Criteria: CeGaT Center For Human Genetics Tuebingen Variant Classification Criteria Version 2. Collection method: clinical testing. Allele origin: germline. Affected: yes. Observed: 1 variant allele.
Comment: EP300: PS2, PM2, PS4:Moderate, PP3

OMIM
Classification: Pathogenic for MENKE-HENNEKAM SYNDROME 2. Last evaluated: 2019-02-26. Review status: no assertion criteria provided. Collection method: literature only. Allele origin: germline. Not counted in ClinVar's aggregate classification.

Literature cited by the submitters: PubMed 29460469 (cited by OMIM); PubMed 27465822 (cited by OMIM).

NM_001429.4(EP300):c.5471A>C (p.Gln1824Pro)

Gene: EP300 (EP300 lysine acetyltransferase; plus strand). Cytogenetic location: 22q13.2.
Variant type: single nucleotide variant.
Coding change: c.5471A>C on transcript NM_001429.4 (MANE Select); coding-DNA position 5471, A replaced by C.
Protein change: p.Gln1824Pro; replaces glutamine 1824 with proline.
Molecular consequence: missense variant.
Genome position (GRCh38, 1-based): chr22:41,177,182, A>C. VCF-style: chr22-41177182-A-C. GRCh37 (hg19) VCF-style: chr22-41573186-A-C.
Other names: c.5393A>C, p.Gln1798Pro (NM_001362843.2); short protein forms Q1824P, Q1798P.
Identifiers: ClinVar variation 619095 (VCV000619095.26), dbSNP rs1569120903, ClinGen allele CA411709049.